The following is an entry in ClinVar:

NM_000903.3(NQO1):c.99A>C (p.Lys33Asn)

Gene: NQO1 (NAD(P)H quinone dehydrogenase 1; minus strand). Cytogenetic location: 16q22.1.
Variant type: single nucleotide variant.
Coding change: c.99A>C on transcript NM_000903.3 (MANE Select); coding-DNA position 99, A replaced by C.
Protein change: p.Lys33Asn; replaces lysine 33 with asparagine.
Molecular consequence: missense variant.
Genome position (GRCh38, 1-based): chr16:69,718,443, T>G on the plus strand (A>C on the coding strand, the complement: NQO1 is on the minus strand). VCF-style: chr16-69718443-T-G. GRCh37 (hg19) VCF-style: chr16-69752346-T-G.
Other names: c.99A>C, p.Lys33Asn (NM_001025433.2, NM_001025434.2, NM_001286137.2); short protein forms K33N.
Identifiers: ClinVar variation 2585693 (VCV002585693.2), dbSNP rs2544333333, ClinGen allele CA396491686.

ClinVar aggregate classification (germline): Uncertain significance (1 of 4 stars; one submission).

Allele frequency attached by ClinVar (database versions not stated): gnomAD exomes 0.00001.
gnomAD v4.1: 3 of 1,614,136 alleles (0.00019%); highest among the groups gnomAD compares: Non-Finnish European, 0.00025%; no homozygotes.

Submission:

Ambry Genetics
Classification: Uncertain significance. Last evaluated: 2023-08-05. Review status: criteria provided, single submitter. Criteria: Ambry Variant Classification Scheme 2023. Collection method: clinical testing. Allele origin: germline.
Comment: The p.K33N variant (also known as c.99A>C), located in coding exon 2 of the NQO1 gene, results from an A to C substitution at nucleotide position 99. The lysine at codon 33 is replaced by asparagine, an amino acid with similar properties. This amino acid position is conserved. In addition, this alteration is predicted to be tolerated by in silico analysis. Since supporting evidence is limited at this time, the clinical significance of this alteration remains unclear.